The following is an entry in ClinVar:

NM_001330588.2(TPP2):c.3376A>G (p.Met1126Val)

Gene: TPP2 (tripeptidyl peptidase 2; plus strand). Cytogenetic location: 13q33.1.
Variant type: single nucleotide variant.
Coding change: c.3376A>G on transcript NM_001330588.2 (MANE Select); coding-DNA position 3376, A replaced by G.
Protein change: p.Met1126Val; replaces methionine 1126 with valine.
Molecular consequence: missense variant. On other transcripts: non-coding transcript variant (1).
Genome position (GRCh38, 1-based): chr13:102,674,287, A>G. VCF-style: chr13-102674287-A-G. GRCh37 (hg19) VCF-style: chr13-103326637-A-G.
Other names: c.3463A>G, p.Met1155Val (NM_001367947.1); c.3337A>G, p.Met1113Val (NM_003291.4); short protein forms M1126V, M1155V, M1113V.
Identifiers: ClinVar variation 1916649 (VCV001916649.5), dbSNP rs2504137985, ClinGen allele CA388511470.
Genomic context (GRCh38, chr13:102,674,287, plus strand): 5'-TTTACTTTTAAAGACATTTTACTGATATCTGAAATATTTTTTAATTTGCTGTACAGTGAC[A>G]TGGACAAACAAAAATCCACCCTCGTAGATGCCCTTTGTAGGAAAGGTTGTGCCCTGGCAG-3'
Protein context (NP_001317517.1, residues 1116-1136): RPDAATIKND[Met1126Val]DKQKSTLVDA

ClinVar aggregate classification (germline): Uncertain significance (1 of 4 stars; one submission).

Conditions:
Evans syndrome, immunodeficiency, and premature immunosenescence associated with tripeptidyl-peptidase II deficiency. Identifiers: MedGen CN231723. Disease mechanism: loss of function.

Allele frequency attached by ClinVar (database versions not stated): gnomAD exomes below 0.00001.

Submission:

Labcorp Genetics (formerly Invitae), Labcorp
Classification: Uncertain significance for Evans syndrome, immunodeficiency, and premature immunosenescence associated with tripeptidyl-peptidase II deficiency. Last evaluated: 2022-03-12. Review status: criteria provided, single submitter. Criteria: Invitae Variant Classification Sherloc (09022015). Collection method: clinical testing. Allele origin: germline.
Comment: In summary, the available evidence is currently insufficient to determine the role of this variant in disease. Therefore, it has been classified as a Variant of Uncertain Significance. Algorithms developed to predict the effect of sequence changes on RNA splicing suggest that this variant may disrupt the consensus splice site. Algorithms developed to predict the effect of missense changes on protein structure and function are either unavailable or do not agree on the potential impact of this missense change (SIFT: "Deleterious"; PolyPhen-2: "Benign"; Align-GVGD: "Class C0"). This variant has not been reported in the literature in individuals affected with TPP2-related conditions. This variant is not present in population databases (gnomAD no frequency). This sequence change replaces methionine, which is neutral and non-polar, with valine, which is neutral and non-polar, at codon 1113 of the TPP2 protein (p.Met1113Val).